The following is an entry in ClinVar:

ClinVar aggregate classification (germline): Uncertain significance (1 of 4 stars; one submission).

Submission:

GeneDx
Classification: Uncertain significance. Last evaluated: 2024-05-28. Review status: criteria provided, single submitter. Criteria: GeneDx Variant Classification Process June 2021. Collection method: clinical testing. Allele origin: germline. Affected: yes.
Comment: Not observed at significant frequency in large population cohorts (gnomAD); In silico analysis indicates that this missense variant does not alter protein structure/function; Has not been previously published as pathogenic or benign to our knowledge

NM_001085458.2(CTNND1):c.905A>T (p.Tyr302Phe)

Genes: CTNND1 (catenin delta 1; plus strand), TMX2-CTNND1 (TMX2-CTNND1 readthrough (NMD candidate); plus strand). Cytogenetic location: 11q12.1.
Variant type: single nucleotide variant.
Coding change: c.905A>T on transcript NM_001085458.2 (MANE Select); coding-DNA position 905, A replaced by T.
Protein change: p.Tyr302Phe; replaces tyrosine 302 with phenylalanine.
Molecular consequence: missense variant. On other transcripts: non-coding transcript variant (1).
Genome position (GRCh38, 1-based): chr11:57,796,941, A>T. VCF-style: chr11-57796941-A-T. GRCh37 (hg19) VCF-style: chr11-57564413-A-T.
Other names: c.905A>T, p.Tyr302Phe (NM_001085459.2, NM_001085460.2, NM_001085461.2 and 3 more transcripts); c.602A>T, p.Tyr201Phe (NM_001085463.2, NM_001085464.2, NM_001085465.2 and 5 more transcripts); c.743A>T, p.Tyr248Phe (NM_001206883.2, NM_001206884.2, NM_001206886.2 and 4 more transcripts); short protein forms Y201F, Y248F, Y302F.
Identifiers: ClinVar variation 3383535 (VCV003383535.1).